The following is an entry in ClinVar:

NM_000397.4(CYBB):c.1499A>T (p.Asp500Val)

Gene: CYBB (cytochrome b-245 beta chain; plus strand). Cytogenetic location: Xp11.4.
Variant type: single nucleotide variant.
Coding change: c.1499A>T on transcript NM_000397.4 (MANE Select); coding-DNA position 1499, A replaced by T.
Protein change: p.Asp500Val; replaces aspartic acid 500 with valine.
Molecular consequence: missense variant.
Genome position (GRCh38, 1-based): chrX:37,809,604, A>T. VCF-style: chrX-37809604-A-T. GRCh37 (hg19) VCF-style: chrX-37668857-A-T.
Other names: short protein forms D500V.
Identifiers: ClinVar variation 4537382 (VCV004537382.1).

ClinVar aggregate classification (germline): Likely pathogenic (1 of 4 stars; one submission).

Conditions:
Granulomatous disease, chronic, X-linked. Also called: CYTOCHROME b-NEGATIVE GRANULOMATOUS DISEASE, CHRONIC, X-LINKED; GRANULOMATOUS DISEASE, CHRONIC, X-LINKED, SOMATIC MOSAIC. Identifiers: Orphanet 379, MedGen C1844376, MONDO:0010600, OMIM 306400.

Submission:

Pele Pequeno Principe Research Institute, Faculdades Pequeno Principe
Classification: Likely pathogenic for Granulomatous disease, chronic, X-linked. Review status: criteria provided, single submitter. Criteria: ACMG Guidelines, 2015. Collection method: research. Allele origin: germline. Inheritance: X-linked inheritance. Affected: yes. Observed: 1 hemizygote.
Comment: The CYBB:c.A1499T:p.D500V (GRCh38 - chrX:37809604 A>T) variant consists of a single-nucleotide substitution of adenine (A) to a timine (T), resulting in the predicted protein change (p.D500V). According to the Genome Aggregation Database (gnomAD), this variant is absent from population datasets (PM2). In silico prediction supports that this missense variant has a deleterious effect on protein structure/function (PP3). The variant is located in a mutational hot spot and/or well-established functional domain in which established pathogenic variants have been reported (PM1). A different amino acid change causes known pathogenic variant (c.1498G>T ClinVar ID:2581828 / c.1498G>C ClinVar ID:265470 / c.1500T>G ClinVar ID: 2138524) (PM5). Based on the collective evidence, the c.1499A>T variant is classified as pathogenic for Chronic granulomatous disease.